The following is an entry in ClinVar:

NM_005591.4(MRE11):c.2054A>G (p.Asp685Gly)

Gene: MRE11 (MRE11 double strand break repair nuclease; minus strand). Cytogenetic location: 11q21.
Variant type: single nucleotide variant.
Coding change: c.2054A>G on transcript NM_005591.4 (MANE Select); coding-DNA position 2054, A replaced by G.
Protein change: p.Asp685Gly; replaces aspartic acid 685 with glycine.
Molecular consequence: missense variant.
Genome position (GRCh38, 1-based): chr11:94,429,927, T>C on the plus strand (A>G on the coding strand, the complement: MRE11 is on the minus strand). VCF-style: chr11-94429927-T-C. GRCh37 (hg19) VCF-style: chr11-94163093-T-C.
Other names: c.2051A>G, p.Asp684Gly (NM_001330347.2); c.1970A>G, p.Asp657Gly (NM_005590.4); short protein forms D685G, D684G, D657G.
Identifiers: ClinVar variation 142045 (VCV000142045.11), dbSNP rs554399982, ClinGen allele CA167234.

ClinVar aggregate classification (germline): Uncertain significance. Review status: criteria provided, multiple submitters, no conflicts (2 of 4 stars). 4 submissions from 4 submitters: Uncertain significance (4). Last evaluated 2023-10-05.

Conditions:
Ataxia-telangiectasia-like disorder (ATLD). Identifiers: MedGen C1858391, MONDO:0011457.
MRE11-related disorder. Also called: MRE11-related condition.
Hereditary cancer-predisposing syndrome. Also called: Neoplastic Syndromes, Hereditary; Tumor predisposition; Hereditary Cancer Syndrome; Hereditary neoplastic syndrome. Identifiers: Orphanet 140162, MedGen C0027672, MeSH D009386, MONDO:0015356.

Allele frequency attached by ClinVar (database versions not stated): gnomAD exomes 0.00001 and 0.00002; ExAC 0.00002; gnomAD 0.00005 and 0.00006; TOPMed 0.00005; 1000 Genomes Project 0.00020; 1000 Genomes Project 30x 0.00031.
gnomAD v4.1: 18 of 1,613,562 alleles (0.0011%); highest among the groups gnomAD compares: African/African-American, 0.02%; no homozygotes.

Submissions (4):

Ambry Genetics
Classification: Uncertain significance for Hereditary cancer-predisposing syndrome. Last evaluated: 2023-10-05. Review status: criteria provided, single submitter. Criteria: Ambry Variant Classification Scheme 2023. Collection method: clinical testing. Allele origin: germline.
Comment: The p.D685G variant (also known as c.2054A>G), located in coding exon 18 of the MRE11A gene, results from an A to G substitution at nucleotide position 2054. The aspartic acid at codon 685 is replaced by glycine, an amino acid with similar properties. This amino acid position is not well conserved in available vertebrate species. In addition, this alteration is predicted to be tolerated by in silico analysis. Since supporting evidence is limited at this time, the clinical significance of this alteration remains unclear.

PreventionGenetics, part of Exact Sciences
Classification: Uncertain significance for MRE11-related condition. Last evaluated: 2023-02-08. Review status: criteria provided, single submitter. Criteria: ACMG Guidelines, 2015. Collection method: clinical testing. Allele origin: germline.
Comment: The MRE11 c.2054A>G variant is predicted to result in the amino acid substitution p.Asp685Gly. To our knowledge, this variant has not been reported in the literature. This variant is reported in 0.024% of alleles in individuals of African descent in gnomAD and is interpreted as uncertain in ClinVar. At this time, the clinical significance of this variant is uncertain due to the absence of conclusive functional and genetic evidence.

Sema4
Classification: Uncertain significance for Hereditary cancer-predisposing syndrome. Last evaluated: 2021-10-19. Review status: criteria provided, single submitter. Criteria: Sema4 Curation Guidelines. Collection method: curation. Allele origin: germline.
Comment: The MRE11 c.2054A>G (p.D685G) variant has not been reported in the literature to our knowledge. It was observed in 6/24964 chromosomes of the African/African American subpopulation in the large and broad cohorts of the Genome Aggregation Database (PMID: 32461654). The variant has been reported in ClinVar (Variation ID 142045). Functional studies have not been performed, and in silico predictions of the variant's effect on protein function are inconclusive. The evidence is insufficient to meet ACMG/AMP criteria for classifying the variant as benign or pathogenic. Thus, the clinical significance of this variant is currently uncertain.

Labcorp Genetics (formerly Invitae), Labcorp
Classification: Uncertain significance for Ataxia-telangiectasia-like disorder. Last evaluated: 2021-09-18. Review status: criteria provided, single submitter. Criteria: Invitae Variant Classification Sherloc (09022015). Collection method: clinical testing. Allele origin: germline.
Comment: This sequence change replaces aspartic acid with glycine at codon 685 of the MRE11 protein (p.Asp685Gly). The aspartic acid residue is moderately conserved and there is a moderate physicochemical difference between aspartic acid and glycine. This variant is present in population databases (rs554399982, ExAC 0.02%). This variant has not been reported in the literature in individuals affected with MRE11-related conditions. ClinVar contains an entry for this variant (Variation ID: 142045). Algorithms developed to predict the effect of missense changes on protein structure and function (SIFT, PolyPhen-2, Align-GVGD) all suggest that this variant is likely to be tolerated. In summary, the available evidence is currently insufficient to determine the role of this variant in disease. Therefore, it has been classified as a Variant of Uncertain Significance.